The following is an entry in ClinVar:

NC_000009.12:g.35657858G>T

Gene: RMRP (RNA component of mitochondrial RNA processing endoribonuclease; minus strand). Cytogenetic location: 9p13.3.
Variant type: single nucleotide variant.
Genome position: GRCh38 VCF-style: chr9-35657858-G-T. GRCh37 (hg19) VCF-style: chr9-35657855-G-T.
Identifiers: ClinVar variation 2163846 (VCV002163846.1), dbSNP rs751373603, ClinGen allele CA464450672.

ClinVar aggregate classification (germline): Uncertain significance (1 of 4 stars; one submission).

Conditions:
Anauxetic dysplasia. Identifiers: Orphanet 93347, MedGen C1846796, MONDO:0011773.

gnomAD v4.1: 2 of 700,354 alleles (0.00029%); highest among the groups gnomAD compares: Non-Finnish European, 0.00052%; no homozygotes.

Submission:

Labcorp Genetics (formerly Invitae), Labcorp
Classification: Uncertain significance for Anauxetic dysplasia. Last evaluated: 2022-03-26. Review status: criteria provided, single submitter. Criteria: Invitae Variant Classification Sherloc (09022015). Collection method: clinical testing. Allele origin: germline.
Comment: This variant occurs in the RMRP gene, which encodes an RNA molecule that does not result in a protein product. This variant is not present in population databases (gnomAD no frequency). This variant has not been reported in the literature in individuals affected with RMRP-related conditions. Experimental studies and prediction algorithms are not available or were not evaluated, and the functional significance of this variant is currently unknown. In summary, the available evidence is currently insufficient to determine the role of this variant in disease. Therefore, it has been classified as a Variant of Uncertain Significance.